The following is an entry in ClinVar:

ClinVar aggregate classification (germline): Likely benign (1 of 4 stars; one submission).

gnomAD v4.1: 52 of 1,613,698 alleles (0.0032%); highest among the groups gnomAD compares: South Asian, 0.018%; no homozygotes.

Submission:

CeGaT Center for Human Genetics Tuebingen
Classification: Likely benign. Last evaluated: 2026-03-01. Review status: criteria provided, single submitter. Criteria: CeGaT Center For Human Genetics Tuebingen Variant Classification Criteria Version 2. Collection method: clinical testing. Allele origin: germline. Affected: yes. Observed: 1 variant allele.
Comment: FRMD4A: BP4, BP7

NM_018027.5(FRMD4A):c.903G>A (p.Pro301=)

Gene: FRMD4A (FERM domain containing 4A; minus strand). Cytogenetic location: 10p13.
Variant type: single nucleotide variant.
Coding change: c.903G>A on transcript NM_018027.5 (MANE Select); coding-DNA position 903, G replaced by A.
Protein change: p.Pro301=; no amino-acid change (proline 301 retained).
Molecular consequence: synonymous variant. On other transcripts: 5 prime UTR variant (1).
Genome position (GRCh38, 1-based): chr10:13,701,412, C>T on the plus strand (G>A on the coding strand, the complement: FRMD4A is on the minus strand). VCF-style: chr10-13701412-C-T. GRCh37 (hg19) VCF-style: chr10-13743412-C-T.
Other names: c.951G>A, p.Pro317= (NM_001318336.2); c.1002G>A, p.Pro334= (NM_001318337.2); c.-25G>A (NM_001318338.2).
Identifiers: ClinVar variation 4822052 (VCV004822052.4).
Genomic context (GRCh38, chr10:13,701,412, plus strand): 5'-TCTGTCCAGATAGAACTGGTGTTGGCTTATGGCCATAGCCCAGATGGACTTGATCAATGC[C>T]GGACATGCATACCACGTGTGCACTGCAATGCCGCTGTGCCCAAACGTCCTCCTTGTCACT-3'
Protein context (NP_060497.3, residues 291-311): GIAVHTWYAC[Pro301=]ALIKSIWAMA